The following is an entry in ClinVar:

NM_032043.3(BRIP1):c.3499G>T (p.Ala1167Ser)

Gene: BRIP1 (BRCA1 interacting DNA helicase 1; minus strand). Cytogenetic location: 17q23.2.
Variant type: single nucleotide variant.
Coding change: c.3499G>T on transcript NM_032043.3 (MANE Select); coding-DNA position 3499, G replaced by T.
Protein change: p.Ala1167Ser; replaces alanine 1167 with serine.
Molecular consequence: missense variant.
Genome position (GRCh38, 1-based): chr17:61,683,547, C>A on the plus strand (G>T on the coding strand, the complement: BRIP1 is on the minus strand). VCF-style: chr17-61683547-C-A. GRCh37 (hg19) VCF-style: chr17-59760908-C-A.
Other names: short protein forms A1167S.
Identifiers: ClinVar variation 3261836 (VCV003261836.1).

ClinVar aggregate classification (germline): Uncertain significance (1 of 4 stars; one submission).

Conditions:
Hereditary cancer-predisposing syndrome. Also called: Hereditary Cancer Syndrome; Tumor predisposition; Hereditary neoplastic syndrome; Neoplastic Syndromes, Hereditary. Identifiers: Orphanet 140162, MedGen C0027672, MeSH D009386, MONDO:0015356.

Submission:

Ambry Genetics
Classification: Uncertain significance for Hereditary cancer-predisposing syndrome. Last evaluated: 2024-06-14. Review status: criteria provided, single submitter. Criteria: Ambry Variant Classification Scheme 2023. Collection method: clinical testing. Allele origin: germline.
Comment: The p.A1167S variant (also known as c.3499G>T), located in coding exon 19 of the BRIP1 gene, results from a G to T substitution at nucleotide position 3499. The alanine at codon 1167 is replaced by serine, an amino acid with similar properties. This amino acid position is conserved. In addition, this alteration is predicted to be tolerated by in silico analysis. Based on the available evidence, the clinical significance of this variant remains unclear.